The following is an entry in ClinVar:

ClinVar aggregate classification (germline): Uncertain significance. Review status: criteria provided, multiple submitters, no conflicts (2 of 4 stars). 4 submissions from 4 submitters: Uncertain significance (4). Last evaluated 2026-05-15.

Conditions:
Nephronophthisis. Also called: Juvenile Nephronophthisis. Identifiers: Orphanet 655, MedGen C0687120, MONDO:0019005, HP:0000090.
Inborn genetic diseases. Identifiers: MedGen C0950123, MeSH D030342.
NPHP4-related disorder. Also called: NPHP4-related disorders; NPHP4-related condition. Identifiers: MedGen CN239384.
Nephronophthisis 4 (NPHP4). Also called: NEPHRONOPHTHISIS 4, JUVENILE. Identifiers: Orphanet 655, MedGen C1847013, MONDO:0011752, OMIM 606966.
Senior-Loken syndrome 4 (SLSN4). Identifiers: Orphanet 3156, MedGen C1846979, MONDO:0011756, OMIM 606996.

Allele frequency attached by ClinVar (database versions not stated): ExAC 0.00001; gnomAD exomes 0.00001; gnomAD 0.00002; TOPMed 0.00003.
gnomAD v4.1: 11 of 1,608,016 alleles (0.00068%); highest among the groups gnomAD compares: Admixed American, 0.0034%; no homozygotes.

Submissions (4):

PreventionGenetics, part of Exact Sciences
Classification: Uncertain significance for NPHP4-related condition. Last evaluated: 2026-05-15. Review status: criteria provided, single submitter. Criteria: ACMG Guidelines, 2015. Collection method: clinical testing. Allele origin: germline.
Comment: The NPHP4 c.2686C>T variant is predicted to result in the amino acid substitution p.Arg896Trp. To our knowledge, this variant has not been reported in the literature. This variant is reported in 0.0057% of alleles in individuals of East Asian descent in gnomAD. At this time, the clinical significance of this variant is uncertain due to the absence of conclusive functional and genetic evidence.

Ambry Genetics
Classification: Uncertain significance for Inborn genetic diseases. Last evaluated: 2025-06-04. Review status: criteria provided, single submitter. Criteria: Ambry Variant Classification Scheme 2023. Collection method: clinical testing. Allele origin: germline.

Labcorp Genetics (formerly Invitae), Labcorp
Classification: Uncertain significance for Nephronophthisis. Last evaluated: 2022-09-27. Review status: criteria provided, single submitter. Criteria: Invitae Variant Classification Sherloc (09022015). Collection method: clinical testing. Allele origin: germline.
Comment: This sequence change replaces arginine, which is basic and polar, with tryptophan, which is neutral and slightly polar, at codon 896 of the NPHP4 protein (p.Arg896Trp). In summary, the available evidence is currently insufficient to determine the role of this variant in disease. Therefore, it has been classified as a Variant of Uncertain Significance. Advanced modeling of protein sequence and biophysical properties (such as structural, functional, and spatial information, amino acid conservation, physicochemical variation, residue mobility, and thermodynamic stability) performed at Invitae indicates that this missense variant is not expected to disrupt NPHP4 protein function. ClinVar contains an entry for this variant (Variation ID: 1501687). This variant has not been reported in the literature in individuals affected with NPHP4-related conditions. This variant is present in population databases (rs754364004, gnomAD 0.006%).

Fulgent Genetics
Classification: Uncertain significance for Nephronophthisis 4; Senior-Loken syndrome 4. Last evaluated: 2022-02-02. Review status: criteria provided, single submitter. Criteria: ACMG Guidelines, 2015. Collection method: clinical testing. Allele origin: unknown.

NM_015102.5(NPHP4):c.2686C>T (p.Arg896Trp)

Gene: NPHP4 (nephrocystin 4; minus strand). Cytogenetic location: 1p36.31.
Variant type: single nucleotide variant.
Coding change: c.2686C>T on transcript NM_015102.5 (MANE Select); coding-DNA position 2686, C replaced by T.
Protein change: p.Arg896Trp; replaces arginine 896 with tryptophan.
Molecular consequence: missense variant. On other transcripts: non-coding transcript variant (1).
Genome position (GRCh38, 1-based): chr1:5,877,224, G>A on the plus strand (C>T on the coding strand, the complement: NPHP4 is on the minus strand). VCF-style: chr1-5877224-G-A. GRCh37 (hg19) VCF-style: chr1-5937284-G-A.
Other names: c.1147C>T, p.Arg383Trp (NM_001291593.2); c.1150C>T, p.Arg384Trp (NM_001291594.2); c.2686C>T (NM_015102.4, NM_015102.3); short protein forms R383W, R384W, R896W.
Identifiers: ClinVar variation 1501687 (VCV001501687.7), dbSNP rs754364004, ClinGen allele CA553968.